The following is an entry in ClinVar:

ClinVar aggregate classification (germline): Uncertain significance (1 of 4 stars; one submission).

Conditions:
Inborn genetic diseases. Identifiers: MedGen C0950123, MeSH D030342.

Allele frequency attached by ClinVar (database versions not stated): gnomAD exomes below 0.00001; ExAC 0.00001.
gnomAD v4.1: 1 of 1,614,180 alleles (0.000062%); highest among the groups gnomAD compares: Non-Finnish European, 0.000085%; no homozygotes.

Submission:

Ambry Genetics
Classification: Uncertain significance for Inborn genetic diseases. Last evaluated: 2022-10-22. Review status: criteria provided, single submitter. Criteria: Ambry Variant Classification Scheme 2023. Collection method: clinical testing. Allele origin: germline.
Comment: The p.E113K variant (also known as c.337G>A), located in coding exon 3 of the EPAS1 gene, results from a G to A substitution at nucleotide position 337. The glutamic acid at codon 113 is replaced by lysine, an amino acid with similar properties. This amino acid position is conserved. In addition, the in silico prediction for this alteration is inconclusive. Since supporting evidence is limited at this time, the clinical significance of this alteration remains unclear.

NM_001430.5(EPAS1):c.337G>A (p.Glu113Lys)

Gene: EPAS1 (endothelial PAS domain protein 1; plus strand). Cytogenetic location: 2p21.
Variant type: single nucleotide variant.
Coding change: c.337G>A on transcript NM_001430.5 (MANE Select); coding-DNA position 337, G replaced by A.
Protein change: p.Glu113Lys; replaces glutamic acid 113 with lysine.
Molecular consequence: missense variant.
Genome position (GRCh38, 1-based): chr2:46,356,270, G>A. VCF-style: chr2-46356270-G-A. GRCh37 (hg19) VCF-style: chr2-46583409-G-A.
Other names: short protein forms E113K.
Identifiers: ClinVar variation 1730808 (VCV001730808.2), dbSNP rs763113481, ClinGen allele CA1644609.